The following is an entry in ClinVar:

ClinVar aggregate classification (germline): Uncertain significance. Review status: criteria provided, multiple submitters, no conflicts (2 of 4 stars). 5 submissions from 5 submitters: Uncertain significance (5). Last evaluated 2023-04-11.

Conditions:
Hereditary spastic paraplegia 47. Also called: adaptor protein 4 (AP-4) deficiency syndrome; Spastic paraplegia 47, autosomal recessive; CEREBRAL PALSY, SPASTIC QUADRIPLEGIC, 5. Identifiers: Orphanet 280763, MedGen C3279738, MONDO:0013551, OMIM 614066.
Inborn genetic diseases. Identifiers: MedGen C0950123, MeSH D030342.

Allele frequency attached by ClinVar (database versions not stated): 1000 Genomes Project 30x 0.00031; 1000 Genomes Project 0.00040; ESP Exome Variant Server 0.00046; gnomAD 0.00046 and 0.00049; TOPMed 0.00046.
gnomAD v4.1: 138 of 1,614,180 alleles (0.0085%); highest among the groups gnomAD compares: African/African-American, 0.17%; no homozygotes.

Submissions (5):

Genome-Nilou Lab
Classification: Uncertain significance for Hereditary spastic paraplegia 47. Last evaluated: 2023-04-11. Review status: criteria provided, single submitter. Criteria: ACMG Guidelines, 2015. Collection method: clinical testing. Allele origin: germline. Affected: no.

Labcorp Genetics (formerly Invitae), Labcorp
Classification: Uncertain significance for Hereditary spastic paraplegia 47. Last evaluated: 2022-09-27. Review status: criteria provided, single submitter. Criteria: Invitae Variant Classification Sherloc (09022015). Collection method: clinical testing. Allele origin: germline.
Comment: This sequence change replaces serine, which is neutral and polar, with threonine, which is neutral and polar, at codon 323 of the AP4B1 protein (p.Ser323Thr). This variant is present in population databases (rs149335605, gnomAD 0.2%). This variant has not been reported in the literature in individuals affected with AP4B1-related conditions. Advanced modeling of protein sequence and biophysical properties (such as structural, functional, and spatial information, amino acid conservation, physicochemical variation, residue mobility, and thermodynamic stability) performed at Invitae indicates that this missense variant is not expected to disrupt AP4B1 protein function. In summary, the available evidence is currently insufficient to determine the role of this variant in disease. Therefore, it has been classified as a Variant of Uncertain Significance.

GeneDx
Classification: Uncertain significance. Last evaluated: 2022-03-24. Review status: criteria provided, single submitter. Criteria: GeneDx Variant Classification Process June 2021. Collection method: clinical testing. Allele origin: germline. Affected: yes.
Comment: In silico analysis supports that this missense variant does not alter protein structure/function; Has not been previously published as pathogenic or benign to our knowledge

Genetic Services Laboratory, University of Chicago
Classification: Uncertain significance. Last evaluated: 2018-12-03. Review status: criteria provided, single submitter. Criteria: ACMG Guidelines, 2015. Collection method: clinical testing. Allele origin: germline. Affected: no.

Ambry Genetics
Classification: Uncertain significance for Inborn genetic diseases. Last evaluated: 2016-07-28. Review status: criteria provided, single submitter. Criteria: Ambry Variant Classification Scheme 2023. Collection method: clinical testing. Allele origin: germline.
Comment: The p.S323T variant (also known as c.967T>A), located in coding exon 5 of the AP4B1 gene, results from a T to A substitution at nucleotide position 967. The serine at codon 323 is replaced by threonine, an amino acid with similar properties. This variant was previously reported in the SNPDatabase as rs149335605. Based on data from the 1000 Genomes Project, the A allele has an overall frequency of approximately 0.05% (1/2098) total alleles studied. The highest observed frequency was 0.61% (1/164) Luhya alleles. Based on data from the NHLBI Exome Sequencing Project (ESP), the A allele has an overall frequency of approximately 0.05% (6/13006) total alleles studied, having been observed in 0.14% (6/4406) African American alleles. This amino acid position is not well conserved in available vertebrate species. In addition, this alteration is predicted to be tolerated by in silico analysis. Since supporting evidence is limited at this time, the clinical significance of this alteration remains unclear.

NM_001253852.3(AP4B1):c.967T>A (p.Ser323Thr)

Genes: AP4B1 (adaptor related protein complex 4 subunit beta 1; minus strand), AP4B1-AS1 (AP4B1 antisense RNA 1; plus strand). Cytogenetic location: 1p13.2.
Variant type: single nucleotide variant.
Coding change: c.967T>A on transcript NM_001253852.3 (MANE Select); coding-DNA position 967, T replaced by A.
Protein change: p.Ser323Thr; replaces serine 323 with threonine.
Molecular consequence: missense variant. On other transcripts: non-coding transcript variant (2).
Genome position (GRCh38, 1-based): chr1:113,900,051, A>T on the plus strand (T>A on the coding strand, the complement: AP4B1 is on the minus strand). VCF-style: chr1-113900051-A-T. GRCh37 (hg19) VCF-style: chr1-114442673-A-T.
Other names: c.670T>A, p.Ser224Thr (NM_001253853.3); c.463T>A, p.Ser155Thr (NM_001308312.2); c.967T>A, p.Ser323Thr (NM_006594.5); short protein forms S323T, S155T, S224T.
Identifiers: ClinVar variation 588102 (VCV000588102.15), dbSNP rs149335605, ClinGen allele CA1015961.
Genomic context (GRCh38, chr1:113,900,051, plus strand): 5'-CATCGTTCACCAGTTCACACAGCACCTCCACTTTCTGTAGTTTGATGTAGTGGGGCTCCG[A>T]GTAGGAGCAAAAAAACTTTTTGTAGTGGCTGCTAAAGTGACCTGGTAAACTATGCAAGAT-3'
Protein context (NP_001240781.1, residues 313-333): SHYKKFFCSY[Ser323Thr]EPHYIKLQKV